The following is an entry in ClinVar:

NM_000238.4(KCNH2):c.1251G>C (p.Leu417=)

Gene: KCNH2 (potassium voltage-gated channel subfamily H member 2; minus strand). Cytogenetic location: 7q36.1.
Variant type: single nucleotide variant.
Coding change: c.1251G>C on transcript NM_000238.4 (MANE Select); coding-DNA position 1251, G replaced by C.
Protein change: p.Leu417=; no amino-acid change (leucine 417 retained).
Molecular consequence: synonymous variant. On other transcripts: non-coding transcript variant (2).
Genome position (GRCh38, 1-based): chr7:150,952,731, C>G on the plus strand (G>C on the coding strand, the complement: KCNH2 is on the minus strand). VCF-style: chr7-150952731-C-G. GRCh37 (hg19) VCF-style: chr7-150649819-C-G.
Other names: c.231G>C, p.Leu77= (NM_001204798.2, NM_172057.3); c.963G>C, p.Leu321= (NM_001406753.1, NM_001406756.1); c.1074G>C, p.Leu358= (NM_001406755.1); c.951G>C, p.Leu317= (NM_001406757.1); c.1251G>C, p.Leu417= (NM_172056.3).
Identifiers: ClinVar variation 1137305 (VCV001137305.14), dbSNP rs1345291709, ClinGen allele CA458645703.

ClinVar aggregate classification (germline): Likely benign. Review status: criteria provided, multiple submitters, no conflicts (2 of 4 stars). 4 submissions from 4 submitters: Likely benign (4). Last evaluated 2026-09-01.

Conditions:
Long QT syndrome (LQTS). Identifiers: MedGen C0023976, MeSH D008133, MONDO:0002442. Disease mechanism: loss of function. Inheritance: Various modes of inheritance.
Cardiovascular phenotype. Identifiers: MedGen CN230736.

Allele frequency attached by ClinVar (database versions not stated): TOPMed 0.00001.
gnomAD v4.1: 5 of 1,613,840 alleles (0.00031%); highest among the groups gnomAD compares: Non-Finnish European, 0.00042%; no homozygotes.

Submissions (4):

CeGaT Center for Human Genetics Tuebingen
Classification: Likely benign. Last evaluated: 2026-09-01. Review status: criteria provided, single submitter. Criteria: CeGaT Center For Human Genetics Tuebingen Variant Classification Criteria Version 2. Collection method: clinical testing. Allele origin: germline. Affected: yes. Observed: 1 variant allele.
Comment: KCNH2: BP4, BP7

Labcorp Genetics (formerly Invitae), Labcorp
Classification: Likely benign for Long QT syndrome. Last evaluated: 2025-09-15. Review status: criteria provided, single submitter. Criteria: Invitae Variant Classification Sherloc (09022015). Collection method: clinical testing. Allele origin: germline.

All of Us Research Program, National Institutes of Health
Classification: Likely benign for Long QT syndrome. Last evaluated: 2023-10-02. Review status: criteria provided, single submitter. Criteria: ACMG Guidelines, 2015. Collection method: clinical testing. Allele origin: germline. Inheritance: Autosomal dominant inheritance. Observed: 4 variant alleles, 4 heterozygotes.
Comment: This study involves interpretation of variants in research participants for the purpose of population health screening. Participant phenotype was not available at the time of variant classification. Additional details can be found in publication PMID: 35346344, PMCID: PMC8962531

Ambry Genetics
Classification: Likely benign for Cardiovascular phenotype. Last evaluated: 2023-06-03. Review status: criteria provided, single submitter. Criteria: Ambry Variant Classification Scheme 2023. Collection method: clinical testing. Allele origin: germline.